The following is an entry in ClinVar:

NM_017636.4(TRPM4):c.19G>A (p.Glu7Lys)

Gene: TRPM4 (transient receptor potential cation channel subfamily M member 4; plus strand). Cytogenetic location: 19q13.33.
Variant type: single nucleotide variant.
Coding change: c.19G>A on transcript NM_017636.4 (MANE Select); coding-DNA position 19, G replaced by A.
Protein change: p.Glu7Lys; replaces glutamic acid 7 with lysine.
Molecular consequence: missense variant. On other transcripts: 5 prime UTR variant (3).
Genome position (GRCh38, 1-based): chr19:49,157,885, G>A. VCF-style: chr19-49157885-G-A. GRCh37 (hg19) VCF-style: chr19-49661142-G-A.
Other names: c.19G>A, p.Glu7Lys (NM_001195227.2, NM_001321281.2); c.-1354G>A (NM_001321282.2); c.-148G>A (NM_001321283.2); c.-311G>A (NM_001321285.2); c.19G>A (NM_017636.3); short protein forms E7K.
Identifiers: ClinVar variation 3770 (VCV000003770.2), dbSNP rs267607142, ClinGen allele CA250505.

ClinVar aggregate classification (germline): Likely pathogenic. Review status: criteria provided, single submitter (1 of 4 stars). 2 submissions from 2 submitters: Likely pathogenic (1). 1 of the submissions does not count toward it. Last evaluated 2023-07-13.

Conditions:
Progressive familial heart block type IB (PFHB1B). Identifiers: Orphanet 871, MedGen C1970298, MONDO:0011474, OMIM 604559.
TRPM4-related disorder. Also called: TRPM4-related condition; TRPM4-related disorders. Identifiers: MedGen CN239424.

Allele frequency attached by ClinVar (database versions not stated): gnomAD 0.00001.

Submissions (2):

PreventionGenetics, part of Exact Sciences
Classification: Likely pathogenic for TRPM4-related condition. Last evaluated: 2023-07-13. Review status: criteria provided, single submitter. Criteria: ACMG Guidelines, 2015. Collection method: clinical testing. Allele origin: germline.
Comment: The TRPM4 c.19G>A variant is predicted to result in the amino acid substitution p.Glu7Lys. This variant was reported to segregate with progressive familial heart block in three branches of a large South African Afrikaner pedigree (Brink et al. 1995. PubMed ID: 7882468; Kruse et al. 2009. PubMed ID: 19726882). Functional studies showed that this variant leads to attenuated deSUMOylation, reduced endocytosis, elevated channel density at the cell surface, and altered modulation of voltage-dependent gating, suggesting a gain-of-function mechanism (Kruse et al. 2009. PubMed ID: 19726882; Hu et al. 2021. PubMed ID: 33922380). This variant has not been reported in a large population database, indicating this variant is rare. This variant is interpreted as likely pathogenic.

OMIM
Classification: Pathogenic for PROGRESSIVE FAMILIAL HEART BLOCK, TYPE IB. Last evaluated: 2009-09-01. Review status: no assertion criteria provided. Collection method: literature only. Allele origin: germline. Not counted in ClinVar's aggregate classification.

Literature cited by the submitters: PubMed 897853 (cited by OMIM); PubMed 19726882 (cited by OMIM).